The following is an entry in ClinVar:

ClinVar aggregate classification (germline): Uncertain significance (1 of 4 stars; one submission).

Conditions:
Hereditary cancer-predisposing syndrome. Also called: Tumor predisposition; Hereditary Cancer Syndrome; Hereditary neoplastic syndrome; Neoplastic Syndromes, Hereditary. Identifiers: Orphanet 140162, MedGen C0027672, MeSH D009386, MONDO:0015356.

Submission:

Ambry Genetics
Classification: Uncertain significance for Hereditary cancer-predisposing syndrome. Last evaluated: 2024-05-23. Review status: criteria provided, single submitter. Criteria: Ambry Variant Classification Scheme 2023. Collection method: clinical testing. Allele origin: germline.
Comment: The p.D98A variant (also known as c.293A>C), located in coding exon 3 of the EPCAM gene, results from an A to C substitution at nucleotide position 293. The aspartic acid at codon 98 is replaced by alanine, an amino acid with dissimilar properties. This amino acid position is conserved. In addition, this alteration is predicted to be tolerated by in silico analysis. Based on the available evidence, the clinical significance of this variant remains unclear.

NM_002354.3(EPCAM):c.293A>C (p.Asp98Ala)

Gene: EPCAM (epithelial cell adhesion molecule; plus strand). Cytogenetic location: 2p21.
Variant type: single nucleotide variant.
Coding change: c.293A>C on transcript NM_002354.3 (MANE Select); coding-DNA position 293, A replaced by C.
Protein change: p.Asp98Ala; replaces aspartic acid 98 with alanine.
Molecular consequence: missense variant.
Genome position (GRCh38, 1-based): chr2:47,373,916, A>C. VCF-style: chr2-47373916-A-C. GRCh37 (hg19) VCF-style: chr2-47601055-A-C.
Other names: short protein forms D98A.
Identifiers: ClinVar variation 3275823 (VCV003275823.1).